The following is an entry in ClinVar:

NM_003640.5(ELP1):c.3586A>G (p.Asn1196Asp)

Gene: ELP1 (elongator acetyltransferase complex subunit 1; minus strand). Cytogenetic location: 9q31.3.
Variant type: single nucleotide variant.
Coding change: c.3586A>G on transcript NM_003640.5 (MANE Select); coding-DNA position 3586, A replaced by G.
Protein change: p.Asn1196Asp; replaces asparagine 1196 with aspartic acid.
Molecular consequence: missense variant.
Genome position (GRCh38, 1-based): chr9:108,878,737, T>C on the plus strand (A>G on the coding strand, the complement: ELP1 is on the minus strand). VCF-style: chr9-108878737-T-C. GRCh37 (hg19) VCF-style: chr9-111641017-T-C.
Other names: c.3244A>G, p.Asn1082Asp (NM_001318360.2); c.2539A>G, p.Asn847Asp (NM_001330749.2); short protein forms N1082D, N1196D, N847D.
Identifiers: ClinVar variation 1405009 (VCV001405009.8), dbSNP rs1564071274, ClinGen allele CA374411461.

ClinVar aggregate classification (germline): Uncertain significance (1 of 4 stars; one submission).

Submission:

Labcorp Genetics (formerly Invitae), Labcorp
Classification: Uncertain significance. Last evaluated: 2021-03-24. Review status: criteria provided, single submitter. Criteria: Invitae Variant Classification Sherloc (09022015). Collection method: clinical testing. Allele origin: germline.
Comment: Algorithms developed to predict the effect of missense changes on protein structure and function are either unavailable or do not agree on the potential impact of this missense change (SIFT: "Tolerated"; PolyPhen-2: "Probably Damaging"; Align-GVGD: "Class C0"). This sequence change replaces asparagine with aspartic acid at codon 1196 of the ELP1 protein (p.Asn1196Asp). The asparagine residue is highly conserved and there is a small physicochemical difference between asparagine and aspartic acid. This variant is not present in population databases (ExAC no frequency). This variant has not been reported in the literature in individuals with ELP1-related conditions. In summary, the available evidence is currently insufficient to determine the role of this variant in disease. Therefore, it has been classified as a Variant of Uncertain Significance.